The following is an entry in ClinVar:

ClinVar aggregate classification (germline): Benign. Review status: criteria provided, multiple submitters, no conflicts (2 of 4 stars). 2 submissions from 2 submitters: Benign (2). Last evaluated 2016-10-31.

Allele frequency attached by ClinVar (database versions not stated): gnomAD exomes 0.00292 and 0.01165; ExAC 0.00927; 1000 Genomes Project 0.01278.

Submissions (2):

GeneDx
Classification: Benign. Last evaluated: 2016-10-31. Review status: criteria provided, single submitter. Criteria: GeneDx Variant Classification (06012015). Collection method: clinical testing. Allele origin: germline. Affected: yes.
Comment: This variant is considered likely benign or benign based on one or more of the following criteria: it is a conservative change, it occurs at a poorly conserved position in the protein, it is predicted to be benign by multiple in silico algorithms, and/or has population frequency not consistent with disease.

Breakthrough Genomics
Classification: Benign. Review status: criteria provided, single submitter. Criteria: ACMG Guidelines, 2015. Collection method: not provided. Allele origin: germline. Inheritance: Autosomal recessive inheritance. Affected: yes.

NM_000083.3(CLCN1):c.-15T>G

Gene: CLCN1 (chloride voltage-gated channel 1; plus strand). Cytogenetic location: 7q34.
Variant type: single nucleotide variant.
Coding change: c.-15T>G on transcript NM_000083.3 (MANE Select); 15 bases upstream of the start codon, T replaced by G.
Molecular consequence: 5 prime UTR variant. On other transcripts: non-coding transcript variant (1).
Genome position (GRCh38, 1-based): chr7:143,316,198, T>G. VCF-style: chr7-143316198-T-G. GRCh37 (hg19) VCF-style: chr7-143013291-T-G.
Identifiers: ClinVar variation 383611 (VCV000383611.2), dbSNP rs182668076, ClinGen allele CA4536783.